The following is an entry in ClinVar:

ClinVar aggregate classification (germline): Uncertain significance (1 of 4 stars; one submission).

Submission:

Labcorp Genetics (formerly Invitae), Labcorp
Classification: Uncertain significance. Last evaluated: 2020-03-05. Review status: criteria provided, single submitter. Criteria: Invitae Variant Classification Sherloc (09022015). Collection method: clinical testing. Allele origin: germline.
Comment: This sequence change replaces serine with threonine at codon 162 of the HOXB13 protein (p.Ser162Thr). The serine residue is moderately conserved and there is a small physicochemical difference between serine and threonine. This variant is not present in population databases (ExAC no frequency). This variant has not been reported in the literature in individuals with HOXB13-related conditions. Algorithms developed to predict the effect of missense changes on protein structure and function output the following: SIFT: "Tolerated"; PolyPhen-2: "Benign"; Align-GVGD: "Class C0". The threonine amino acid residue is found in multiple mammalian species, suggesting that this missense change does not adversely affect protein function. These predictions have not been confirmed by published functional studies and their clinical significance is uncertain. In summary, the available evidence is currently insufficient to determine the role of this variant in disease. Therefore, it has been classified as a Variant of Uncertain Significance.

NM_006361.6(HOXB13):c.484T>A (p.Ser162Thr)

Gene: HOXB13 (homeobox B13; minus strand). Cytogenetic location: 17q21.32.
Variant type: single nucleotide variant.
Coding change: c.484T>A on transcript NM_006361.6 (MANE Select); coding-DNA position 484, T replaced by A.
Protein change: p.Ser162Thr; replaces serine 162 with threonine.
Molecular consequence: missense variant.
Genome position (GRCh38, 1-based): chr17:48,728,110, A>T on the plus strand (T>A on the coding strand, the complement: HOXB13 is on the minus strand). VCF-style: chr17-48728110-A-T. GRCh37 (hg19) VCF-style: chr17-46805472-A-T.
Other names: short protein forms S162T.
Identifiers: ClinVar variation 1058151 (VCV001058151.9), dbSNP rs2143071680, ClinGen allele CA400107359.
Genomic context (GRCh38, chr17:48,728,110, plus strand): 5'-TCTGGCTGTTCCAGCCACCAGCGAGAGCCCAAGACTGGTAACTGTCCACAGGCAACAGGG[A>T]GTCATGTCGCGGTTCTCCAGGAGCACCCAGAGTCTGCACCACAGACACGTCCAGGTAACT-3'
Protein context (NP_006352.2, residues 152-172): LGAPGEPRHD[Ser162Thr]LLPVDSYQSW